The following is an entry in ClinVar:

NM_025099.6(CTC1):c.2386-7C>T

Gene: CTC1 (CST telomere replication complex component 1; minus strand). Cytogenetic location: 17p13.1.
Variant type: single nucleotide variant.
Coding change: c.2386-7C>T on transcript NM_025099.6 (MANE Select); 7 bases into the intron before coding-DNA position 2386, C replaced by T.
Molecular consequence: intron variant.
Genome position (GRCh38, 1-based): chr17:8,231,822, G>A on the plus strand (C>T on the coding strand, the complement: CTC1 is on the minus strand). VCF-style: chr17-8231822-G-A. GRCh37 (hg19) VCF-style: chr17-8135140-G-A.
Other names: c.2386-7C>T (NM_025099.5, NM_001411067.1).
Identifiers: ClinVar variation 4695665 (VCV004695665.2).

ClinVar aggregate classification (germline): Likely benign. Review status: criteria provided, multiple submitters, no conflicts (2 of 4 stars). 2 submissions from 2 submitters: Likely benign (2). Last evaluated 2026-06-16.

Conditions:
CTC1-related disorder. Also called: CTC1-related condition.
Dyskeratosis congenita. Identifiers: Orphanet 1775, MedGen C0265965, MONDO:0015780.

gnomAD v4.1: 29 of 1,614,044 alleles (0.0018%); highest among the groups gnomAD compares: Non-Finnish European, 0.0025%; no homozygotes.

Submissions (2):

PreventionGenetics, part of Exact Sciences
Classification: Likely benign for CTC1-related condition. Last evaluated: 2026-06-16. Review status: criteria provided, single submitter. Criteria: ACMG Guidelines, 2015. Collection method: clinical testing. Allele origin: germline.
Comment: This variant is classified as likely benign based on ACMG/AMP sequence variant interpretation guidelines (Richards et al. 2015 PMID: 25741868, with internal and published modifications).

Labcorp Genetics (formerly Invitae), Labcorp
Classification: Likely benign for Dyskeratosis congenita. Last evaluated: 2025-08-11. Review status: criteria provided, single submitter. Criteria: Invitae Variant Classification Sherloc (09022015). Collection method: clinical testing. Allele origin: germline.